The following is an entry in ClinVar:

NM_003896.4(ST3GAL5):c.662+4C>T

Gene: ST3GAL5 (ST3 beta-galactoside alpha-2,3-sialyltransferase 5; minus strand). Cytogenetic location: 2p11.2.
Variant type: single nucleotide variant.
Coding change: c.662+4C>T on transcript NM_003896.4 (MANE Select); 4 bases into the intron after coding-DNA position 662, C replaced by T.
Molecular consequence: intron variant.
Genome position (GRCh38, 1-based): chr2:85,847,857, G>A on the plus strand (C>T on the coding strand, the complement: ST3GAL5 is on the minus strand). VCF-style: chr2-85847857-G-A. GRCh37 (hg19) VCF-style: chr2-86074980-G-A.
Other names: c.278+4C>T (NM_001354226.2, NM_001354233.2, NM_001354224.2 and 3 more transcripts); c.578+4C>T (NM_001354227.2, NM_001354229.2, NM_001354238.1); c.593+4C>T (NM_001042437.2); c.662+4C>T (NM_001363847.1); c.-243+4C>T (NM_001354247.1).
Identifiers: ClinVar variation 2049435 (VCV002049435.4), dbSNP rs2467075296, ClinGen allele CA2580068256.
Genomic context (GRCh38, chr2:85,847,857, plus strand): 5'-AAAAATAAAATAAAATAAAAACAATAAAAATAAGTAAACAAACAAACAAAAAAAACCAAT[G>A]TACCTTATCACAACATCGAACTGGTTCAGGGTGTGGCCCAGTTCTAATCCGTGCAGTATT-3'

ClinVar aggregate classification (germline): Uncertain significance (1 of 4 stars; one submission).

Conditions:
GM3 synthase deficiency (SPDRS). Also called: SALT AND PEPPER MENTAL RETARDATION SYNDROME; AMISH INFANTILE EPILEPSY SYNDROME; SALT AND PEPPER DEVELOPMENTAL REGRESSION SYNDROME. Identifiers: Orphanet 171714, Orphanet 370933, MedGen C1836824, MONDO:0018274, OMIM 609056.

Submission:

Labcorp Genetics (formerly Invitae), Labcorp
Classification: Uncertain significance for GM3 synthase deficiency. Last evaluated: 2024-11-04. Review status: criteria provided, single submitter. Criteria: Invitae Variant Classification Sherloc (09022015). Collection method: clinical testing. Allele origin: germline.
Comment: This sequence change falls in intron 4 of the ST3GAL5 gene. It does not directly change the encoded amino acid sequence of the ST3GAL5 protein. It affects a nucleotide within the consensus splice site. This variant is not present in population databases (gnomAD no frequency). This variant has not been reported in the literature in individuals affected with ST3GAL5-related conditions. ClinVar contains an entry for this variant (Variation ID: 2049435). Variants that disrupt the consensus splice site are a relatively common cause of aberrant splicing (PMID: 17576681, 9536098). Algorithms developed to predict the effect of sequence changes on RNA splicing suggest that this variant is not likely to affect RNA splicing. In summary, the available evidence is currently insufficient to determine the role of this variant in disease. Therefore, it has been classified as a Variant of Uncertain Significance.

Literature cited by the submitters: PubMed 17576681; PubMed 9536098.